The following is an entry in ClinVar:

NM_139027.6(ADAMTS13):c.2998C>T (p.Arg1000Cys)

Gene: ADAMTS13 (ADAM metallopeptidase with thrombospondin type 1 motif 13; plus strand). Cytogenetic location: 9q34.2.
Variant type: single nucleotide variant.
Coding change: c.2998C>T on transcript NM_139027.6 (MANE Select); coding-DNA position 2998, C replaced by T.
Protein change: p.Arg1000Cys; replaces arginine 1000 with cysteine.
Molecular consequence: missense variant. On other transcripts: non-coding transcript variant (1).
Genome position (GRCh38, 1-based): chr9:133,449,919, C>T. VCF-style: chr9-133449919-C-T. GRCh37 (hg19) VCF-style: chr9-136315040-C-T.
Other names: c.2998C>T, p.Arg1000Cys (NM_139025.5); c.2905C>T, p.Arg969Cys (NM_139026.6); short protein forms R1000C, R969C.
Identifiers: ClinVar variation 2612522 (VCV002612522.7), dbSNP rs782761491, ClinGen allele CA200940079.

ClinVar aggregate classification (germline): Uncertain significance. Review status: criteria provided, multiple submitters, no conflicts (2 of 4 stars). 4 submissions from 4 submitters: Uncertain significance (4). Last evaluated 2026-03-02.

Conditions:
ADAMTS13-related disorder. Also called: ADAMTS13-related condition.
Inborn genetic diseases. Identifiers: MedGen C0950123, MeSH D030342.

Allele frequency attached by ClinVar (database versions not stated): TOPMed 0.00002; ExAC 0.00003.
gnomAD v4.1: 21 of 1,612,368 alleles (0.0013%); highest among the groups gnomAD compares: East Asian, 0.011%; no homozygotes.

Submissions (4):

Women's Health and Genetics/Laboratory Corporation of America, LabCorp
Classification: Uncertain significance. Last evaluated: 2026-03-02. Review status: criteria provided, single submitter. Criteria: LabCorp Variant Classification Summary - May 2015. Collection method: clinical testing. Allele origin: germline.
Comment: Variant summary: ADAMTS13 c.2998C>T (p.Arg1000Cys) results in a non-conservative amino acid change in the encoded protein sequence. Algorithms developed to predict the effect of missense changes on protein structure and function are either unavailable or do not agree on the potential impact of this missense change. The variant allele was found at a frequency of 2.9e-05 in 244574 control chromosomes. The available data on variant occurrences in the general population are insufficient to allow any conclusion about variant significance. c.2998C>T has been observed in individual(s) affected with Thrombotic Thrombocytopenic Purpura without primary info (Wang_2023). These report(s) do not provide unequivocal conclusions about association of the variant with Thrombotic Thrombocytopenic Purpura. To our knowledge, no experimental evidence demonstrating an impact on protein function has been reported. The following publication has been ascertained in the context of this evaluation (PMID: 37815743). ClinVar contains an entry for this variant (Variation ID: 2612522). Based on the evidence outlined above, the variant was classified as uncertain significance.

Ambry Genetics
Classification: Uncertain significance for Inborn genetic diseases. Last evaluated: 2023-07-19. Review status: criteria provided, single submitter. Criteria: Ambry Variant Classification Scheme 2023. Collection method: clinical testing. Allele origin: germline.

Labcorp Genetics (formerly Invitae), Labcorp
Classification: Uncertain significance. Last evaluated: 2023-07-03. Review status: criteria provided, single submitter. Criteria: Invitae Variant Classification Sherloc (09022015). Collection method: clinical testing. Allele origin: germline.
Comment: In summary, the available evidence is currently insufficient to determine the role of this variant in disease. Therefore, it has been classified as a Variant of Uncertain Significance. Algorithms developed to predict the effect of missense changes on protein structure and function output the following: SIFT: "Not Available"; PolyPhen-2: "Probably Damaging"; Align-GVGD: "Not Available". The cysteine amino acid residue is found in multiple mammalian species, which suggests that this missense change does not adversely affect protein function. This sequence change replaces arginine, which is basic and polar, with cysteine, which is neutral and slightly polar, at codon 1000 of the ADAMTS13 protein (p.Arg1000Cys). This variant is present in population databases (rs782761491, gnomAD 0.02%). This variant has not been reported in the literature in individuals affected with ADAMTS13-related conditions.

PreventionGenetics, part of Exact Sciences
Classification: Uncertain significance for ADAMTS13-related condition. Last evaluated: 2022-10-11. Review status: criteria provided, single submitter. Criteria: ACMG Guidelines, 2015. Collection method: clinical testing. Allele origin: germline.
Comment: The ADAMTS13 c.2998C>T variant is predicted to result in the amino acid substitution p.Arg1000Cys. To our knowledge, this variant has not been reported in the literature. This variant is reported in 0.022% of alleles in individuals of East Asian descent in gnomAD. At this time, the clinical significance of this variant is uncertain due to the absence of conclusive functional and genetic evidence.

Literature cited by the submitters: PubMed 37815743 (cited by Women's Health and Genetics/Laboratory Corporation of America, LabCorp).